The following is an entry in ClinVar:

ClinVar aggregate classification (germline): Uncertain significance. Review status: criteria provided, multiple submitters, no conflicts (2 of 4 stars). 2 submissions from 2 submitters: Uncertain significance (2). Last evaluated 2023-02-14.

Conditions:
DMXL2-related disorder. Also called: DMXL2-related condition.

Allele frequency attached by ClinVar (database versions not stated): gnomAD exomes 0.00004 and 0.00006; TOPMed 0.00005; gnomAD 0.00008 and 0.00009; ExAC 0.00012; ESP Exome Variant Server 0.00015.
gnomAD v4.1: 75 of 1,603,048 alleles (0.0047%); highest among the groups gnomAD compares: Non-Finnish European, 0.0057%; no homozygotes.

Submissions (2):

PreventionGenetics, part of Exact Sciences
Classification: Uncertain significance for DMXL2-related condition. Last evaluated: 2023-02-14. Review status: criteria provided, single submitter. Criteria: ACMG Guidelines, 2015. Collection method: clinical testing. Allele origin: germline.
Comment: The DMXL2 c.6376C>T variant is predicted to result in the amino acid substitution p.Arg2126Cys. To our knowledge, this variant has not been reported in the literature. This variant is reported in 0.010% of alleles in individuals of European (Non-Finnish) descent in gnomAD. At this time, the clinical significance of this variant is uncertain due to the absence of conclusive functional and genetic evidence.

Labcorp Genetics (formerly Invitae), Labcorp
Classification: Uncertain significance. Last evaluated: 2022-05-29. Review status: criteria provided, single submitter. Criteria: Invitae Variant Classification Sherloc (09022015). Collection method: clinical testing. Allele origin: germline.
Comment: This sequence change replaces arginine, which is basic and polar, with cysteine, which is neutral and slightly polar, at codon 2126 of the DMXL2 protein (p.Arg2126Cys). This variant is present in population databases (rs143448138, gnomAD 0.01%). This variant has not been reported in the literature in individuals affected with DMXL2-related conditions. ClinVar contains an entry for this variant (Variation ID: 1378755). Algorithms developed to predict the effect of missense changes on protein structure and function are either unavailable or do not agree on the potential impact of this missense change (SIFT: "Deleterious"; PolyPhen-2: "Probably Damaging"; Align-GVGD: "Class C0"). In summary, the available evidence is currently insufficient to determine the role of this variant in disease. Therefore, it has been classified as a Variant of Uncertain Significance.

NM_001378457.1(DMXL2):c.6376C>T (p.Arg2126Cys)

Gene: DMXL2 (Dmx like 2; minus strand). Cytogenetic location: 15q21.2.
Variant type: single nucleotide variant.
Coding change: c.6376C>T on transcript NM_001378457.1 (MANE Select); coding-DNA position 6376, C replaced by T.
Protein change: p.Arg2126Cys; replaces arginine 2126 with cysteine.
Molecular consequence: missense variant. On other transcripts: non-coding transcript variant (2).
Genome position (GRCh38, 1-based): chr15:51,480,730, G>A on the plus strand (C>T on the coding strand, the complement: DMXL2 is on the minus strand). VCF-style: chr15-51480730-G-A. GRCh37 (hg19) VCF-style: chr15-51772927-G-A.
Other names: c.6376C>T, p.Arg2126Cys (NM_001174116.3, NM_001378458.1, NM_001378459.1 and 4 more transcripts); c.4468C>T, p.Arg1490Cys (NM_001174117.3); c.4357C>T, p.Arg1453Cys (NM_001378460.1); c.6136C>T, p.Arg2046Cys (NM_001378464.1); c.6376C>T (NM_001174116.1); short protein forms R1453C, R2046C, R1490C, R2126C.
Identifiers: ClinVar variation 1378755 (VCV001378755.3), dbSNP rs143448138, ClinGen allele CA7561648.